The following is an entry in ClinVar:

ClinVar aggregate classification (germline): Uncertain significance (1 of 4 stars; one submission).

gnomAD v4.1: 566 of 1,612,344 alleles (0.035%); highest among the groups gnomAD compares: Non-Finnish European, 0.044%; no homozygotes.

Submission:

Labcorp Genetics (formerly Invitae), Labcorp
Classification: Uncertain significance. Last evaluated: 2024-08-29. Review status: criteria provided, single submitter. Criteria: Invitae Variant Classification Sherloc (09022015). Collection method: clinical testing. Allele origin: germline.
Comment: This sequence change falls in intron 8 of the DCDC1 gene. It does not directly change the encoded amino acid sequence of the DCDC1 protein. It affects a nucleotide within the consensus splice site. This variant is present in population databases (rs199802073, gnomAD 0.02%). This variant has not been reported in the literature in individuals affected with DCDC1-related conditions. Variants that disrupt the consensus splice site are a relatively common cause of aberrant splicing (PMID: 17576681, 9536098). Algorithms developed to predict the effect of sequence changes on RNA splicing suggest that this variant is not likely to affect RNA splicing. In summary, the available evidence is currently insufficient to determine the role of this variant in disease. Therefore, it has been classified as a Variant of Uncertain Significance.

Literature cited by the submitters: PubMed 17576681; PubMed 9536098.

NM_001387274.1(DCDC1):c.1054+2431C>T

Gene: DCDC1 (doublecortin domain containing 1; minus strand). Cytogenetic location: 11p13.
Variant type: single nucleotide variant.
Coding change: c.1054+2431C>T on transcript NM_001387274.1 (MANE Select); 2431 bases into the intron after coding-DNA position 1054, C replaced by T.
Molecular consequence: intron variant.
Genome position (GRCh38, 1-based): chr11:31,263,076, G>A on the plus strand (C>T on the coding strand, the complement: DCDC1 is on the minus strand). VCF-style: chr11-31263076-G-A. GRCh37 (hg19) VCF-style: chr11-31284623-G-A.
Other names: c.1054+2431C>T (NM_001367979.1); c.1055-3C>T (NM_181807.4).
Identifiers: ClinVar variation 3696246 (VCV003696246.2).
Genomic context (GRCh38, chr11:31,263,076, plus strand): 5'-CATGAATCCGAATGCCTCTGGCATCCATGAAGTATCACGTCTCAGAGTCAGTGCTTTCCT[G>A]TTTTGATAAGTAATTCTGTTATACCATATTTGGGAGGAGAAAAATAAACTTTCTAAATAT-3'